The following is an entry in ClinVar:

NM_001177316.2(SLC34A3):c.1335+257T>G

Gene: SLC34A3 (solute carrier family 34 member 3; plus strand). Cytogenetic location: 9q34.3.
Variant type: single nucleotide variant.
Coding change: c.1335+257T>G on transcript NM_001177316.2 (MANE Select); 257 bases into the intron after coding-DNA position 1335, T replaced by G.
Molecular consequence: intron variant.
Genome position (GRCh38, 1-based): chr9:137,234,988, T>G. VCF-style: chr9-137234988-T-G. GRCh37 (hg19) VCF-style: chr9-140129440-T-G.
Other names: c.1335+257T>G (NM_001177317.2, NM_080877.3).
Identifiers: ClinVar variation 496508 (VCV000496508.2), dbSNP rs1554784918, ClinGen allele CA658683562.

ClinVar aggregate classification (germline): Uncertain significance (1 of 4 stars; one submission).

Submission:

Women's Health and Genetics/Laboratory Corporation of America, LabCorp
Classification: Uncertain significance. Last evaluated: 2016-06-14. Review status: criteria provided, single submitter. Criteria: LabCorp Variant Classification Summary - May 2015. Collection method: clinical testing. Allele origin: germline.
Comment: Variant summary: The SLC34A3 c.1335+257T>G variant involves the alteration of a non-conserved deep intronic nucleotide. One in silico tool predicts a benign outcome for this variant, and 5/5 splicing algorithms predict no significant change to normal splicing. The allele frequency in the general population cannot be assessed since coverage of deep intronic regions is insufficient in the large publically available control cohorts (i.e. ExAC, ESP). Based on the nature of this variant, it was classified as a VUS-Possibly Benign until additional information is available.